The following is an entry in ClinVar:

ClinVar aggregate classification (germline): Pathogenic/Likely pathogenic. Review status: criteria provided, multiple submitters, no conflicts (2 of 4 stars). 2 submissions from 2 submitters: Pathogenic (1); Likely pathogenic (1). Last evaluated 2023-04-07.

Conditions:
Usher syndrome type 2C. Also called: Usher syndrome, type 2B; USHER SYNDROME, TYPE IIC. Identifiers: Orphanet 231178, Orphanet 886, MedGen C2931213, MONDO:0011558, OMIM 605472.
Febrile seizures, familial, 4 (FEB4). Also called: CONVULSIONS, FAMILIAL FEBRILE, 4. Identifiers: MedGen C1858493, MONDO:0011443, OMIM 604352.

Submissions (2):

Labcorp Genetics (formerly Invitae), Labcorp
Classification: Pathogenic. Last evaluated: 2023-04-07. Review status: criteria provided, single submitter. Criteria: Invitae Variant Classification Sherloc (09022015). Collection method: clinical testing. Allele origin: germline.
Comment: For these reasons, this variant has been classified as Pathogenic. This variant is also known as c.14451_14452del. This premature translational stop signal has been observed in individual(s) with Usher syndrome (PMID: 26338283, 31964843). This variant is present in population databases (no rsID available, gnomAD 0.006%). This sequence change creates a premature translational stop signal (p.Arg4819Alafs*11) in the ADGRV1 gene. It is expected to result in an absent or disrupted protein product. Loss-of-function variants in ADGRV1 are known to be pathogenic (PMID: 19357117, 22135276, 22147658, 26226137, 30718709, 31047384, 32467589).

Juno Genomics, Hangzhou Juno Genomics, Inc
Classification: Likely pathogenic for Febrile seizures, familial, 4; Usher syndrome type 2C. Review status: criteria provided, single submitter. Criteria: ACMG Guidelines, 2015. Collection method: clinical testing. Allele origin: germline. Affected: yes.
Comment: Absent from controls (or at extremely low frequency if recessive) in Genome Aggregation Database, Exome Sequencing Project, 1000 Genomes Project, or Exome Aggregation Consortium.;Null variant in a gene where loss of function (LOF) is a known mechanism of disease.

Literature cited by the submitters: PubMed 26338283 (cited by Labcorp Genetics (formerly Invitae), Labcorp); PubMed 31964843 (cited by Labcorp Genetics (formerly Invitae), Labcorp); PubMed 19357117 (cited by Labcorp Genetics (formerly Invitae), Labcorp); PubMed 22135276 (cited by Labcorp Genetics (formerly Invitae), Labcorp); PubMed 22147658 (cited by Labcorp Genetics (formerly Invitae), Labcorp); PubMed 26226137 (cited by Labcorp Genetics (formerly Invitae), Labcorp); PubMed 30718709 (cited by Labcorp Genetics (formerly Invitae), Labcorp); PubMed 31047384 (cited by Labcorp Genetics (formerly Invitae), Labcorp); PubMed 32467589 (cited by Labcorp Genetics (formerly Invitae), Labcorp).

NM_032119.4(ADGRV1):c.14455_14456del (p.Arg4819fs)

Gene: ADGRV1 (adhesion G protein-coupled receptor V1; plus strand). Cytogenetic location: 5q14.3.
Variant type: Microsatellite.
Coding change: c.14455_14456del on transcript NM_032119.4 (MANE Select); coding-DNA positions 14455 to 14456, 2 bases deleted (AG; older notation c.14455_14456delAG).
Protein change: p.Arg4819fs; shifts the reading frame from arginine 4819.
Molecular consequence: frameshift variant. On other transcripts: non-coding transcript variant (1).
Genome position (GRCh38, 1-based): chr5:90,791,284-90,791,285, AG deleted; deleting any 2 consecutive bases within chr5:90,791,280-90,791,285 gives the same sequence; the c. name uses the placement nearest the transcript's 3' end. VCF-style (leftmost placement, unchanged base first): chr5-90791279-CAG-C. GRCh37 (hg19) VCF-style: chr5-90087096-CAG-C.
Other names: short protein forms R4819fs.
Identifiers: ClinVar variation 2734742 (VCV002734742.5), dbSNP rs1417393007, ClinGen allele CA561259969.